The following is an entry in ClinVar:

ClinVar aggregate classification (germline): Pathogenic (1 of 4 stars; one submission).

Submission:

Labcorp Genetics (formerly Invitae), Labcorp
Classification: Pathogenic. Last evaluated: 2025-03-21. Review status: criteria provided, single submitter. Criteria: Invitae Variant Classification Sherloc (09022015). Collection method: clinical testing. Allele origin: germline.
Comment: This sequence change replaces histidine, which is basic and polar, with asparagine, which is neutral and polar, at codon 104 of the FOXL2 protein (p.His104Asn). This variant is not present in population databases (gnomAD no frequency). This missense change has been observed in individual(s) with clinical features of autosomal dominant blepharophimosis, ptosis, and epicanthus inversus syndrome (internal data). In at least one individual the variant was observed to be de novo. An algorithm developed to predict the effect of missense changes on protein structure and function (PolyPhen-2) suggests that this variant is likely to be disruptive. Experimental studies have shown that this missense change affects FOXL2 function (PMID: 19010791, 19515849). This variant disrupts the p.His104 amino acid residue in FOXL2. Other variant(s) that disrupt this residue have been observed in individuals with FOXL2-related conditions (PMID: 12938087, 33796131), which suggests that this may be a clinically significant amino acid residue. For these reasons, this variant has been classified as Pathogenic.

Literature cited by the submitters: PubMed 19010791; PubMed 19515849; PubMed 12938087; PubMed 33796131.

NM_023067.4(FOXL2):c.310C>A (p.His104Asn)

Gene: FOXL2 (forkhead box L2; minus strand). Cytogenetic location: 3q22.3.
Variant type: single nucleotide variant.
Coding change: c.310C>A on transcript NM_023067.4 (MANE Select); coding-DNA position 310, C replaced by A.
Protein change: p.His104Asn; replaces histidine 104 with asparagine.
Molecular consequence: missense variant.
Genome position (GRCh38, 1-based): chr3:138,946,413, G>T on the plus strand (C>A on the coding strand, the complement: FOXL2 is on the minus strand). VCF-style: chr3-138946413-G-T. GRCh37 (hg19) VCF-style: chr3-138665255-G-T.
Other names: short protein forms H104N.
Identifiers: ClinVar variation 3728131 (VCV003728131.2).